The following is an entry in ClinVar:

ClinVar aggregate classification (germline): Likely pathogenic. Review status: criteria provided, single submitter (1 of 4 stars). 3 submissions from 3 submitters: Likely pathogenic (1). 2 of the submissions do not count toward it. Last evaluated 2024-04-29.

Conditions:
RYR1-related disorder. Also called: RYR1-related condition; RYR1-related disorders. Identifiers: MedGen CN239331.
Central core myopathy (CMYO1A). Also called: Central core disease; Myopathy, central fibrillar; CONGENITAL MYOPATHY 1A, AUTOSOMAL DOMINANT, WITH SUSCEPTIBILITY TO MALIGNANT HYPERTHERMIA. Identifiers: Orphanet 597, MedGen C5830701, MONDO:0007294, OMIM 117000.

Submissions (3):

Labcorp Genetics (formerly Invitae), Labcorp
Classification: Likely pathogenic for RYR1-related disorder. Last evaluated: 2024-04-29. Review status: criteria provided, single submitter. Criteria: Invitae Variant Classification Sherloc (09022015). Collection method: clinical testing. Allele origin: germline.
Comment: This sequence change replaces leucine, which is neutral and non-polar, with proline, which is neutral and non-polar, at codon 3606 of the RYR1 protein (p.Leu3606Pro). This variant is not present in population databases (gnomAD no frequency). This missense change has been observed in individuals with autosomal recessive RYR1-related conditions (PMID: 16621918, 27363342). ClinVar contains an entry for this variant (Variation ID: 65958). Advanced modeling of protein sequence and biophysical properties (such as structural, functional, and spatial information, amino acid conservation, physicochemical variation, residue mobility, and thermodynamic stability) performed at Invitae indicates that this missense variant is expected to disrupt RYR1 protein function with a positive predictive value of 95%. In summary, the currently available evidence indicates that the variant is pathogenic, but additional data are needed to prove that conclusively. Therefore, this variant has been classified as Likely Pathogenic.

GeneReviews
Classification: Pathogenic for Central Core Disease. Last evaluated: 2010-05-11. Review status: no assertion criteria provided. Collection method: curation. Allele origin: unknown. Not counted in ClinVar's aggregate classification.
ClinVar note: Converted during submission from pathologic to Pathogenic.

RYR1 database
No classification provided. Review status: no classification provided. Collection method: not provided. Allele origin: unknown. Not counted in ClinVar's aggregate classification.

Literature cited by the submitters: PubMed 16621918 (cited by Labcorp Genetics (formerly Invitae), Labcorp); PubMed 27363342 (cited by Labcorp Genetics (formerly Invitae), Labcorp).

NM_000540.3(RYR1):c.10817T>C (p.Leu3606Pro)

Gene: RYR1 (ryanodine receptor 1; plus strand). Cytogenetic location: 19q13.2.
Variant type: single nucleotide variant.
Coding change: c.10817T>C on transcript NM_000540.3 (MANE Select); coding-DNA position 10817, T replaced by C.
Protein change: p.Leu3606Pro; replaces leucine 3606 with proline.
Molecular consequence: missense variant.
Genome position (GRCh38, 1-based): chr19:38,527,777, T>C. VCF-style: chr19-38527777-T-C. GRCh37 (hg19) VCF-style: chr19-39018417-T-C.
Other names: c.10802T>C, p.Leu3601Pro (NM_001042723.2); short protein forms L3606P, L3601P.
Identifiers: ClinVar variation 65958 (VCV000065958.5), dbSNP rs118192127, ClinGen allele CA023862.